The following is an entry in ClinVar:

NM_004369.4(COL6A3):c.4520G>A (p.Arg1507Lys)

Gene: COL6A3 (collagen type VI alpha 3 chain; minus strand). Cytogenetic location: 2q37.3.
Variant type: single nucleotide variant.
Coding change: c.4520G>A on transcript NM_004369.4 (MANE Select); coding-DNA position 4520, G replaced by A.
Protein change: p.Arg1507Lys; replaces arginine 1507 with lysine.
Molecular consequence: missense variant.
Genome position (GRCh38, 1-based): chr2:237,368,943, C>T on the plus strand (G>A on the coding strand, the complement: COL6A3 is on the minus strand). VCF-style: chr2-237368943-C-T. GRCh37 (hg19) VCF-style: chr2-238277586-C-T.
Other names: c.2699G>A, p.Arg900Lys (NM_057166.5); c.3902G>A, p.Arg1301Lys (NM_057167.4); short protein forms R1301K, R1507K, R900K.
Identifiers: ClinVar variation 1374924 (VCV001374924.6), dbSNP rs766158387, ClinGen allele CA2188871.

ClinVar aggregate classification (germline): Uncertain significance (1 of 4 stars; one submission).

Conditions:
Bethlem myopathy 1A. Also called: Bethlem myopathy 1; Bethlem Muscular Dystrophy; MYOPATHY, BENIGN CONGENITAL, WITH CONTRACTURES. Identifiers: Orphanet 610, MedGen CN029274, MONDO:0024530, OMIM 158810.

Allele frequency attached by ClinVar (database versions not stated): gnomAD exomes below 0.00001; ExAC 0.00001.

Submission:

Labcorp Genetics (formerly Invitae), Labcorp
Classification: Uncertain significance for Bethlem myopathy 1A. Last evaluated: 2022-06-20. Review status: criteria provided, single submitter. Criteria: Invitae Variant Classification Sherloc (09022015). Collection method: clinical testing. Allele origin: germline.
Comment: In summary, the available evidence is currently insufficient to determine the role of this variant in disease. Therefore, it has been classified as a Variant of Uncertain Significance. Algorithms developed to predict the effect of missense changes on protein structure and function are either unavailable or do not agree on the potential impact of this missense change (SIFT: "Tolerated"; PolyPhen-2: "Probably Damaging"; Align-GVGD: "Class C0"). This variant has not been reported in the literature in individuals affected with COL6A3-related conditions. This variant is not present in population databases (gnomAD no frequency). This sequence change replaces arginine, which is basic and polar, with lysine, which is basic and polar, at codon 1507 of the COL6A3 protein (p.Arg1507Lys).